The following is an entry in ClinVar:

ClinVar aggregate classification (germline): Uncertain significance. Review status: criteria provided, multiple submitters, no conflicts (2 of 4 stars). 2 submissions from 2 submitters: Uncertain significance (2). Last evaluated 2025-08-10.

Conditions:
DICER1-related tumor predisposition. Also called: DICER1-related pleuropulmonary blastoma cancer predisposition syndrome; DICER1 syndrome. Identifiers: Orphanet 284343, MedGen C3839822, MONDO:0100216.
Hereditary cancer-predisposing syndrome. Also called: Neoplastic Syndromes, Hereditary; Tumor predisposition; Hereditary neoplastic syndrome; Hereditary Cancer Syndrome. Identifiers: Orphanet 140162, MedGen C0027672, MeSH D009386, MONDO:0015356.

gnomAD v4.1: 1 of 1,612,748 alleles (0.000062%); highest among the groups gnomAD compares: Non-Finnish European, 0.000085%; no homozygotes.

Submissions (2):

Ambry Genetics
Classification: Uncertain significance for Hereditary cancer-predisposing syndrome. Last evaluated: 2025-08-10. Review status: criteria provided, single submitter. Criteria: Ambry Variant Classification Scheme 2023. Collection method: clinical testing. Allele origin: germline.
Comment: The p.P919T variant (also known as c.2755C>A), located in coding exon 16 of the DICER1 gene, results from a C to A substitution at nucleotide position 2755. The proline at codon 919 is replaced by threonine, an amino acid with highly similar properties. This amino acid position is conserved. In addition, the in silico prediction for this alteration is inconclusive. Since supporting evidence is limited at this time, the clinical significance of this alteration remains unclear.

Labcorp Genetics (formerly Invitae), Labcorp
Classification: Uncertain significance for DICER1-related tumor predisposition. Last evaluated: 2024-04-08. Review status: criteria provided, single submitter. Criteria: Invitae Variant Classification Sherloc (09022015). Collection method: clinical testing. Allele origin: germline.
Comment: This sequence change replaces proline, which is neutral and non-polar, with threonine, which is neutral and polar, at codon 919 of the DICER1 protein (p.Pro919Thr). This variant is not present in population databases (gnomAD no frequency). This variant has not been reported in the literature in individuals affected with DICER1-related conditions. ClinVar contains an entry for this variant (Variation ID: 1795601). Advanced modeling of protein sequence and biophysical properties (such as structural, functional, and spatial information, amino acid conservation, physicochemical variation, residue mobility, and thermodynamic stability) performed at Invitae indicates that this missense variant is not expected to disrupt DICER1 protein function with a negative predictive value of 80%. In summary, the available evidence is currently insufficient to determine the role of this variant in disease. Therefore, it has been classified as a Variant of Uncertain Significance.

NM_177438.3(DICER1):c.2755C>A (p.Pro919Thr)

Gene: DICER1 (dicer 1, ribonuclease III; minus strand). Cytogenetic location: 14q32.13.
Variant type: single nucleotide variant.
Coding change: c.2755C>A on transcript NM_177438.3 (MANE Select); coding-DNA position 2755, C replaced by A.
Protein change: p.Pro919Thr; replaces proline 919 with threonine.
Molecular consequence: missense variant. On other transcripts: non-coding transcript variant (6).
Genome position (GRCh38, 1-based): chr14:95,107,657, G>T on the plus strand (C>A on the coding strand, the complement: DICER1 is on the minus strand). VCF-style: chr14-95107657-G-T. GRCh37 (hg19) VCF-style: chr14-95573994-G-T.
Other names: c.2755C>A, p.Pro919Thr (NM_001195573.1, NM_001271282.3, NM_001291628.2 and 13 more transcripts); c.2473C>A, p.Pro825Thr (NM_001395686.1); c.2350C>A, p.Pro784Thr (NM_001395687.1, NM_001395688.1, NM_001395689.1 and 2 more transcripts); c.2188C>A, p.Pro730Thr (NM_001395691.1); c.1072C>A, p.Pro358Thr (NM_001395697.1); short protein forms P358T, P730T, P784T, P825T, P919T.
Identifiers: ClinVar variation 1795601 (VCV001795601.5), dbSNP rs2542829300, ClinGen allele CA390879513.